The following is an entry in ClinVar:

ClinVar aggregate classification (germline): Pathogenic/Likely pathogenic. Review status: criteria provided, multiple submitters, no conflicts (2 of 4 stars). 5 submissions from 5 submitters: Pathogenic (3); Likely pathogenic (2). Last evaluated 2026-01-19.

Conditions:
Neurodevelopmental disorder with cerebellar atrophy and with or without seizures. Identifiers: MedGen C4748032, MONDO:0020841, OMIM 618056.
BRAT1-related disorder. Also called: BRAT1-related disorders; BRAT1-related condition.
Inborn genetic diseases. Identifiers: MedGen C0950123, MeSH D030342.
Neonatal-onset encephalopathy with rigidity and seizures. Also called: Lethal neonatal spasticity-epileptic encephalopathy syndrome. Identifiers: Orphanet 435845, MedGen C3281029, MONDO:0013784, OMIM 614498.

Submissions (5):

Labcorp Genetics (formerly Invitae), Labcorp
Classification: Pathogenic for Neonatal-onset encephalopathy with rigidity and seizures. Last evaluated: 2026-01-19. Review status: criteria provided, single submitter. Criteria: Invitae Variant Classification Sherloc (09022015). Collection method: clinical testing. Allele origin: germline.
Comment: This sequence change creates a premature translational stop signal (p.Leu152Ilefs*70) in the BRAT1 gene. It is expected to result in an absent or disrupted protein product. Loss-of-function variants in BRAT1 are known to be pathogenic (PMID: 22279524, 25500575). This variant is present in population databases (rs727505362, gnomAD 0.05%). This premature translational stop signal has been observed in individual(s) with clinical features of neonatal-lethal rigidity and multifocal seizure syndrome (PMID: 23035047). ClinVar contains an entry for this variant (Variation ID: 1073760). Algorithms developed to predict the effect of sequence changes on RNA splicing suggest that this variant may disrupt the consensus splice site. For these reasons, this variant has been classified as Pathogenic.

Ambry Genetics
Classification: Pathogenic for Inborn genetic diseases. Last evaluated: 2023-12-19. Review status: criteria provided, single submitter. Criteria: Ambry Variant Classification Scheme 2023. Collection method: clinical testing. Allele origin: germline.
Comment: The c.453_454insATCTTCTC (p.L152Ifs*70) alteration, located in exon 5 (coding exon 4) of the BRAT1 gene, consists of an insertion of ATCTTCTC at position 453, causing a translational frameshift with a predicted alternate stop codon after 70 amino acids. This alteration is expected to result in loss of function by premature protein truncation or nonsense-mediated mRNA decay. Based on data from gnomAD, the ATCTTCTC allele has an overall frequency of 0.007% (17/235668) total alleles studied. The highest observed frequency was 0.052% (17/32758) of Latino alleles. This alteration was detected in the homozygous state in an individual with BRAT1-related neurodevelopmental disorder (Saunders, 2012). Based on the available evidence, this alteration is classified as pathogenic.

Illumina Laboratory Services, Illumina
Classification: Pathogenic for Neurodevelopmental disorder with cerebellar atrophy and with or without seizures. Last evaluated: 2023-04-24. Review status: criteria provided, single submitter. Criteria: ICSLVariantClassificationCriteria RUGD 01 April 2020. Collection method: clinical testing. Allele origin: unknown.
Comment: The BRAT1 c.453_454insATCTTCTC (p.Leu152IlefsTer70) frameshift variant results in the loss of normal protein function through either protein truncation or nonsense-mediated mRNA decay. The highest frequency of this allele in the Genome Aggregation Database is 0.000519 in the Latino/Admixed American population (version 2.1.1). Based on the available evidence the c.453_454insATCTTCTC (p.Leu152IlefsTer70) variant is classified as pathogenic for neurodevelopmental disorder with cerebellar atrophy and with or without seizures.

PreventionGenetics, part of Exact Sciences
Classification: Likely pathogenic for BRAT1-related condition. Last evaluated: 2022-09-20. Review status: criteria provided, single submitter. Criteria: ACMG Guidelines, 2015. Collection method: clinical testing. Allele origin: germline.
Comment: The BRAT1 c.453_454insATCTTCTC variant is predicted to result in a frameshift and premature protein termination (p.Leu152Ilefs*70). This variant was reported in homozygous state in an individual with neonatal epilepsy (Saunders et al. 2012. PubMed ID: 23035047). This variant is reported in 0.052% of alleles in individuals of Latino descent in gnomAD. Frameshift variants in BRAT1 are expected to be pathogenic. This variant is interpreted as likely pathogenic.

GeneDx
Classification: Likely pathogenic. Last evaluated: 2022-03-29. Review status: criteria provided, single submitter. Criteria: GeneDx Variant Classification Process June 2021. Collection method: clinical testing. Allele origin: germline. Affected: yes.
Comment: Frameshift variant predicted to result in protein truncation or nonsense mediated decay in a gene for which loss of function is a known mechanism of disease; This variant is associated with the following publications: (PMID: 25500575, 22279524, 25319849, 26947546, 30346566, 27282648, 27282546, 25937001, 23035047, Fernandez-Jaen2016[Review])

Literature cited by the submitters: PubMed 22279524 (cited by Labcorp Genetics (formerly Invitae), Labcorp); PubMed 25500575 (cited by Labcorp Genetics (formerly Invitae), Labcorp); PubMed 23035047 (cited by 3 submitters).

NM_152743.4(BRAT1):c.453_454insATCTTCTC (p.Leu152fs)

Gene: BRAT1 (BRCA1 associated ATM activator 1; minus strand). Cytogenetic location: 7p22.3.
Variant type: Microsatellite.
Coding change: c.453_454insATCTTCTC on transcript NM_152743.4 (MANE Select); coding-DNA positions 453 to 454, ATCTTCTC inserted.
Protein change: p.Leu152fs; shifts the reading frame from leucine 152.
Molecular consequence: frameshift variant. On other transcripts: 5 prime UTR variant (1), non-coding transcript variant (1).
Genome position: GRCh38 VCF-style: chr7-2543939-G-GGAGAAGAT. GRCh37 (hg19) VCF-style: chr7-2583573-G-GGAGAAGAT.
Other names: c.453_454insATCTTCTC, p.Leu152fs (NM_001350626.2); c.-73_-72insATCTTCTC (NM_001350627.2); short protein forms L152fs.
Identifiers: ClinVar variation 1073760 (VCV001073760.11), dbSNP rs727505362.